The following is an entry in ClinVar:

NM_004565.3(PEX14):c.959_967del (p.Arg320_Asp322del)

Gene: PEX14 (peroxisomal biogenesis factor 14; plus strand). Cytogenetic location: 1p36.22.
Variant type: Deletion.
Coding change: c.959_967del on transcript NM_004565.3 (MANE Select); coding-DNA positions 959 to 967, 9 bases deleted (GGGAGGACA; older notation c.959_967delGGGAGGACA).
Protein change: p.Arg320_Asp322del.
Molecular consequence: inframe deletion.
Genome position (GRCh38, 1-based): chr1:10,629,812-10,629,820, GGGAGGACA deleted; deleting any 9 consecutive bases within chr1:10,629,811-10,629,820 gives the same sequence; the c. name uses the placement nearest the transcript's 3' end. VCF-style (leftmost placement, unchanged base first): chr1-10629810-GAGGGAGGAC-G. GRCh37 (hg19) VCF-style: chr1-10689867-GAGGGAGGAC-G.
Identifiers: ClinVar variation 1448725 (VCV001448725.6), dbSNP rs2124650605, ClinGen allele CA2573130690.
Genomic context (GRCh38, chr1:10,629,810, plus strand): 5'-CGAGGGGGTGGTGGACGTCAAGGGCCAGGTGCGGATGGAGGTGCAAGGCGAGGAGGAGAA[GAGGGAGGAC>G]AAGGAGGACGAGGAGGATGAGGAGGATGATGATGTGAGCCATGTGGACGAGGAGGACTGC-3'

ClinVar aggregate classification (germline): Uncertain significance (1 of 4 stars; one submission).

Conditions:
Peroxisome biogenesis disorder, complementation group K (CGK). Identifiers: MedGen C1866257, MONDO:0800365.

Submission:

Labcorp Genetics (formerly Invitae), Labcorp
Classification: Uncertain significance for Peroxisome biogenesis disorder, complementation group K. Last evaluated: 2023-03-10. Review status: criteria provided, single submitter. Criteria: Invitae Variant Classification Sherloc (09022015). Collection method: clinical testing. Allele origin: germline.
Comment: This variant has not been reported in the literature in individuals affected with PEX14-related conditions. This variant, c.959_967del, results in the deletion of 3 amino acid(s) of the PEX14 protein (p.Arg320_Asp322del), but otherwise preserves the integrity of the reading frame. This variant is not present in population databases (gnomAD no frequency). ClinVar contains an entry for this variant (Variation ID: 1448725). Experimental studies and prediction algorithms are not available or were not evaluated, and the functional significance of this variant is currently unknown. In summary, the available evidence is currently insufficient to determine the role of this variant in disease. Therefore, it has been classified as a Variant of Uncertain Significance.